The following is an entry in ClinVar:

ClinVar aggregate classification (germline): Pathogenic (1 of 4 stars; one submission).

Submission:

GeneDx
Classification: Pathogenic. Last evaluated: 2015-06-02. Review status: criteria provided, single submitter. Criteria: GeneDx Variant Classification (06012015). Collection method: clinical testing. Allele origin: germline. Affected: yes.
Comment: The c.1443_1445delAATinsC variant in the TSC1 gene causes a frameshift starting with codon Serine 483and changes this amino acid to a premature Stop codon, denoted p.S483X. This variant is predicted to causeloss of normal protein function either through protein truncation or nonsense-mediated mRNA decay. It wasnot observed in approximately 6,500 individuals of European and African American ancestry in the NHLBIExome Sequencing Project, indicating it is not a common benign variant in these populations. Although thisvariant has not been reported previously to our knowledge, many other nonsense variants have beenreported in the Human Gene Mutation Database in association with tuberous sclerosis complex (Stenson et al.,2014). Therefore, we consider this variant to be pathogenic.

NM_000368.5(TSC1):c.1443_1445delinsC (p.Ile482_Ser483insTer)

Gene: TSC1 (TSC complex subunit 1; minus strand). Cytogenetic location: 9q34.13.
Variant type: Indel.
Coding change: c.1443_1445delinsC on transcript NM_000368.5 (MANE Select); coding-DNA positions 1443 to 1445, AAT replaced by C.
Protein change: p.Ile482_Ser483insTer.
Molecular consequence: frameshift variant.
Genome position (GRCh38, 1-based): chr9:132,906,133-132,906,135, ATT replaced by G on the plus strand (AAT replaced by C on the coding strand, the reverse complement: TSC1 is on the minus strand). VCF-style: chr9-132906133-ATT-G. GRCh37 (hg19) VCF-style: chr9-135781520-ATT-G.
Other names: c.1443_1445delAATinsC (NM_000368.4); c.1440_1442delinsC, p.Ile481_Ser482insTer (NM_001162426.2); c.1290_1292delinsC, p.Ile431_Ser432insTer (NM_001162427.2); c.1080_1082delinsC, p.Ile361_Ser362insTer (NM_001362177.2).
Identifiers: ClinVar variation 419172 (VCV000419172.1), dbSNP rs1064793693, ClinGen allele CA16618771.